The following is an entry in ClinVar:

ClinVar aggregate classification (germline): Uncertain significance (1 of 4 stars; one submission).

Conditions:
Hereditary cancer-predisposing syndrome. Also called: Tumor predisposition; Hereditary neoplastic syndrome; Hereditary Cancer Syndrome; Neoplastic Syndromes, Hereditary. Identifiers: Orphanet 140162, MedGen C0027672, MeSH D009386, MONDO:0015356.

Submission:

Ambry Genetics
Classification: Uncertain significance for Hereditary cancer-predisposing syndrome. Last evaluated: 2025-04-07. Review status: criteria provided, single submitter. Criteria: Ambry Variant Classification Scheme 2023. Collection method: clinical testing. Allele origin: germline.
Comment: The p.V1173L variant (also known as c.3517G>T), located in coding exon 23 of the RAD50 gene, results from a G to T substitution at nucleotide position 3517. The valine at codon 1173 is replaced by leucine, an amino acid with highly similar properties. This amino acid position is conserved. In addition, this alteration is predicted to be tolerated by in silico analysis. Based on the available evidence, the clinical significance of this variant remains unclear.

NM_005732.4(RAD50):c.3517G>T (p.Val1173Leu)

Genes: RAD50 (RAD50 double strand break repair protein; plus strand), TH2-LCR (Th2 cytokine locus control region; plus strand), TH2LCRR (T helper type 2 locus control region associated RNA; minus strand). Cytogenetic location: 5q31.1.
Variant type: single nucleotide variant.
Coding change: c.3517G>T on transcript NM_005732.4 (MANE Select); coding-DNA position 3517, G replaced by T.
Protein change: p.Val1173Leu; replaces valine 1173 with leucine.
Molecular consequence: missense variant. On other transcripts: non-coding transcript variant (2).
Genome position (GRCh38, 1-based): chr5:132,638,122, G>T. VCF-style: chr5-132638122-G-T. GRCh37 (hg19) VCF-style: chr5-131973814-G-T.
Other names: short protein forms V1173L.
Identifiers: ClinVar variation 3942165 (VCV003942165.1).